The following is an entry in ClinVar:

ClinVar aggregate classification (germline): Uncertain significance (1 of 4 stars; one submission).

gnomAD v4.1: 2 of 1,614,184 alleles (0.00012%); highest among the groups gnomAD compares: Non-Finnish European, 0.00017%; no homozygotes.

Submission:

GeneDx
Classification: Uncertain significance. Last evaluated: 2025-07-09. Review status: criteria provided, single submitter. Criteria: GeneDx Variant Classification Process June 2021. Collection method: clinical testing. Allele origin: germline. Affected: yes.
Comment: Not observed at significant frequency in large population cohorts (gnomAD); In silico analysis suggests that this missense variant does not alter protein structure/function; Has not been previously published as pathogenic or benign to our knowledge

NM_001083962.2(TCF4):c.1799A>G (p.Lys600Arg)

Gene: TCF4 (transcription factor 4; minus strand). Cytogenetic location: 18q21.2.
Variant type: single nucleotide variant.
Coding change: c.1799A>G on transcript NM_001083962.2 (MANE Select); coding-DNA position 1799, A replaced by G.
Protein change: p.Lys600Arg; replaces lysine 600 with arginine.
Molecular consequence: missense variant.
Genome position (GRCh38, 1-based): chr18:55,228,927, T>C on the plus strand (A>G on the coding strand, the complement: TCF4 is on the minus strand). VCF-style: chr18-55228927-T-C. GRCh37 (hg19) VCF-style: chr18-52896158-T-C.
Other names: c.2105A>G, p.Lys702Arg (NM_001243226.3); c.1727A>G, p.Lys576Arg (NM_001243227.2, NM_001348217.1, NM_001348218.2 and 1 more transcripts); c.1817A>G, p.Lys606Arg (NM_001243228.2); c.1778A>G, p.Lys593Arg (NM_001243230.2); c.1661A>G, p.Lys554Arg (NM_001243231.2); c.1586A>G, p.Lys529Arg (NM_001243232.1); c.1397A>G, p.Lys466Arg (NM_001243233.2, NM_001348212.2); c.1319A>G, p.Lys440Arg (NM_001243234.2, NM_001348216.2); and 14 more; short protein forms K384R, K435R, K436R, K440R, K466R, K470R, K525R, K529R.
Identifiers: ClinVar variation 4685153 (VCV004685153.1).